The following is an entry in ClinVar:

ClinVar aggregate classification (germline): Likely pathogenic (1 of 4 stars; one submission).

Conditions:
Progressive sclerosing poliodystrophy (MTDPS4A). Also called: Mitochondrial DNA depletion syndrome 4A (Alpers type); ALPERS PROGRESSIVE INFANTILE POLIODYSTROPHY; NEURONAL DEGENERATION OF CHILDHOOD WITH LIVER DISEASE, PROGRESSIVE; Mitochondrial DNA Depletion Syndrome 4A; Alpers-Huttenlocher Syndrome (AHS); Alpers Syndrome. Identifiers: Orphanet 726, MedGen C0205710, MONDO:0008758, OMIM 203700.

Submission:

Labcorp Genetics (formerly Invitae), Labcorp
Classification: Likely pathogenic for Progressive sclerosing poliodystrophy. Last evaluated: 2022-03-03. Review status: criteria provided, single submitter. Criteria: Invitae Variant Classification Sherloc (09022015). Collection method: clinical testing. Allele origin: germline.
Comment: In summary, the currently available evidence indicates that the variant is pathogenic, but additional data are needed to prove that conclusively. Therefore, this variant has been classified as Likely Pathogenic. Algorithms developed to predict the effect of sequence changes on RNA splicing suggest that this variant may disrupt the consensus splice site. This variant has not been reported in the literature in individuals affected with POLG-related conditions. This variant is not present in population databases (gnomAD no frequency). This sequence change affects an acceptor splice site in intron 13 of the POLG gene. It is expected to disrupt RNA splicing. Variants that disrupt the donor or acceptor splice site typically lead to a loss of protein function (PMID: 16199547), and loss-of-function variants in POLG are known to be pathogenic (PMID: 18546365).

Literature cited by the submitters: PubMed 16199547; PubMed 18546365.

NM_002693.3(POLG):c.2266-1G>A

Gene: POLG (DNA polymerase gamma, catalytic subunit; minus strand). Cytogenetic location: 15q26.1.
Variant type: single nucleotide variant.
Coding change: c.2266-1G>A on transcript NM_002693.3 (MANE Select); the canonical splice acceptor site of the intron before coding-DNA position 2266, G replaced by A.
Molecular consequence: splice acceptor variant.
Genome position (GRCh38, 1-based): chr15:89,322,903, C>T on the plus strand (G>A on the coding strand, the complement: POLG is on the minus strand). VCF-style: chr15-89322903-C-T. GRCh37 (hg19) VCF-style: chr15-89866134-C-T.
Other names: c.2266-1G>A (NM_001126131.2).
Identifiers: ClinVar variation 1466823 (VCV001466823.8), dbSNP rs2152062443, ClinGen allele CA393756613.